The following is an entry in ClinVar:

NM_000051.4(ATM):c.3491G>T (p.Cys1164Phe)

Gene: ATM (ATM serine/threonine kinase; plus strand). Cytogenetic location: 11q22.3.
Variant type: single nucleotide variant.
Coding change: c.3491G>T on transcript NM_000051.4 (MANE Select); coding-DNA position 3491, G replaced by T.
Protein change: p.Cys1164Phe; replaces cysteine 1164 with phenylalanine.
Molecular consequence: missense variant.
Genome position (GRCh38, 1-based): chr11:108,281,083, G>T. VCF-style: chr11-108281083-G-T. GRCh37 (hg19) VCF-style: chr11-108151810-G-T.
Other names: c.3491G>T, p.Cys1164Phe (NM_001351834.2); short protein forms C1164F.
Identifiers: ClinVar variation 5031529 (VCV005031529.1).

ClinVar aggregate classification (germline): Uncertain significance (1 of 4 stars; one submission).

Conditions:
Hereditary cancer-predisposing syndrome. Also called: Neoplastic Syndromes, Hereditary; Tumor predisposition; Hereditary neoplastic syndrome; Hereditary Cancer Syndrome. Identifiers: Orphanet 140162, MedGen C0027672, MeSH D009386, MONDO:0015356.

Submission:

Ambry Genetics
Classification: Uncertain significance for Hereditary cancer-predisposing syndrome. Last evaluated: 2026-07-17. Review status: criteria provided, single submitter. Criteria: Ambry Variant Classification Scheme 2023. Collection method: clinical testing. Allele origin: germline.
Comment: The p.C1164F variant (also known as c.3491G>T), located in coding exon 23 of the ATM gene, results from a G to T substitution at nucleotide position 3491. The cysteine at codon 1164 is replaced by phenylalanine, an amino acid with highly dissimilar properties. This amino acid position is highly conserved in available vertebrate species. In addition, the in silico prediction for this alteration is inconclusive. Based on the available evidence, the clinical significance of this variant remains unclear.